The following is an entry in ClinVar:

NM_032578.4(MYPN):c.903-6294C>T

Gene: MYPN (myopalladin; plus strand). Cytogenetic location: 10q21.3.
Variant type: single nucleotide variant.
Coding change: c.903-6294C>T on transcript NM_032578.4 (MANE Select); 6294 bases into the intron before coding-DNA position 903, C replaced by T.
Molecular consequence: intron variant. On other transcripts: 5 prime UTR variant (1).
Genome position (GRCh38, 1-based): chr10:68,136,646, C>T. VCF-style: chr10-68136646-C-T. GRCh37 (hg19) VCF-style: chr10-69896403-C-T.
Other names: c.-66C>T (NM_001256268.2); c.903-6294C>T (NM_001256267.2).
Identifiers: ClinVar variation 673732 (VCV000673732.2), dbSNP rs116342006, ClinGen allele CA209187137.
Genomic context (GRCh38, chr10:68,136,646, plus strand): 5'-GATTGTTTTTTTAGGCCTGCTGAGGCCATCCTGGCCATCTGAGTAAGGACAAAAACACTT[C>T]TGACAGAGAGTTTGGGCATTTGAATCATTCCACTTATCTCCTTCTGGCTATCCAATTGCT-3'

ClinVar aggregate classification (germline): Benign. Review status: criteria provided, multiple submitters, no conflicts (2 of 4 stars). 2 submissions from 2 submitters: Benign (2). Last evaluated 2018-06-14.

Allele frequency attached by ClinVar (database versions not stated): gnomAD exomes 0.00251; gnomAD 0.02476 and 0.02661; 1000 Genomes Project 0.02596; 1000 Genomes Project 30x 0.02795; TOPMed 0.02955.
gnomAD v4.1: 7,456 of 1,534,488 alleles (0.49%); highest among the groups gnomAD compares: African/African-American, 8.6%; 289 homozygotes.

Submissions (2):

GeneDx
Classification: Benign. Last evaluated: 2018-06-14. Review status: criteria provided, single submitter. Criteria: GeneDx Variant Classification (06012015). Collection method: clinical testing. Allele origin: germline. Affected: yes.
Comment: This variant is considered likely benign or benign based on one or more of the following criteria: it is a conservative change, it occurs at a poorly conserved position in the protein, it is predicted to be benign by multiple in silico algorithms, and/or has population frequency not consistent with disease.

Breakthrough Genomics
Classification: Benign. Review status: criteria provided, single submitter. Criteria: ACMG Guidelines, 2015. Collection method: not provided. Allele origin: germline. Inheritance: Autosomal recessive inheritance. Affected: yes.